The following is an entry in ClinVar:

NM_006904.7(PRKDC):c.1577A>G (p.Asp526Gly)

Gene: PRKDC (protein kinase, DNA-activated, catalytic subunit; minus strand). Cytogenetic location: 8q11.21.
Variant type: single nucleotide variant.
Coding change: c.1577A>G on transcript NM_006904.7 (MANE Select); coding-DNA position 1577, A replaced by G.
Protein change: p.Asp526Gly; replaces aspartic acid 526 with glycine.
Molecular consequence: missense variant.
Genome position (GRCh38, 1-based): chr8:47,934,011, T>C on the plus strand (A>G on the coding strand, the complement: PRKDC is on the minus strand). VCF-style: chr8-47934011-T-C. GRCh37 (hg19) VCF-style: chr8-48846571-T-C.
Other names: c.1577A>G, p.Asp526Gly (NM_001081640.2); short protein forms D526G.
Identifiers: ClinVar variation 3425269 (VCV003425269.1).

ClinVar aggregate classification (germline): Uncertain significance (1 of 4 stars; one submission).

Submission:

Ambry Genetics
Classification: Uncertain significance. Last evaluated: 2024-07-07. Review status: criteria provided, single submitter. Criteria: Ambry Variant Classification Scheme 2023. Collection method: clinical testing. Allele origin: germline.
Comment: The p.D526G variant (also known as c.1577A>G), located in coding exon 15 of the PRKDC gene, results from an A to G substitution at nucleotide position 1577. The aspartic acid at codon 526 is replaced by glycine, an amino acid with similar properties. This amino acid position is conserved. In addition, the in silico prediction for this alteration is inconclusive. Based on the available evidence, the clinical significance of this variant remains unclear.